The following is an entry in ClinVar:

ClinVar aggregate classification (germline): Uncertain significance. Review status: criteria provided, multiple submitters, no conflicts (2 of 4 stars). 3 submissions from 3 submitters: Uncertain significance (3). Last evaluated 2025-11-17.

Conditions:
Hereditary cancer-predisposing syndrome. Also called: Hereditary neoplastic syndrome; Neoplastic Syndromes, Hereditary; Hereditary Cancer Syndrome; Tumor predisposition. Identifiers: Orphanet 140162, MedGen C0027672, MeSH D009386, MONDO:0015356.
Neuroblastoma, susceptibility to, 3. Also called: ALK-Related Neuroblastic Tumor Susceptibility. Identifiers: Orphanet 635, MedGen C2751681, MONDO:0013083, OMIM 613014.

gnomAD v4.1: 6 of 1,559,138 alleles (0.00038%); highest among the groups gnomAD compares: African/African-American, 0.0014%; no homozygotes.

Submissions (3):

Labcorp Genetics (formerly Invitae), Labcorp
Classification: Uncertain significance for Neuroblastoma, susceptibility to, 3. Last evaluated: 2025-11-17. Review status: criteria provided, single submitter. Criteria: Invitae Variant Classification Sherloc (09022015). Collection method: clinical testing. Allele origin: germline.
Comment: This sequence change replaces proline, which is neutral and non-polar, with leucine, which is neutral and non-polar, at codon 117 of the ALK protein (p.Pro117Leu). This variant is present in population databases (no rsID available, gnomAD 0.006%). This variant has not been reported in the literature in individuals affected with ALK-related conditions. ClinVar contains an entry for this variant (Variation ID: 572689). An algorithm developed to predict the effect of missense changes on protein structure and function (PolyPhen-2) suggests that this variant is likely to be tolerated. In summary, the available evidence is currently insufficient to determine the role of this variant in disease. Therefore, it has been classified as a Variant of Uncertain Significance.

Ambry Genetics
Classification: Uncertain significance for Hereditary cancer-predisposing syndrome. Last evaluated: 2025-01-15. Review status: criteria provided, single submitter. Criteria: Ambry Variant Classification Scheme 2023. Collection method: clinical testing. Allele origin: germline.
Comment: The p.P117L variant (also known as c.350C>T), located in coding exon 1 of the ALK gene, results from a C to T substitution at nucleotide position 350. The proline at codon 117 is replaced by leucine, an amino acid with similar properties. This amino acid position is well conserved in available vertebrate species. In addition, this alteration is predicted to be tolerated by in silico analysis. Based on the available evidence, the clinical significance of this variant remains unclear.

GeneDx
Classification: Uncertain significance. Last evaluated: 2024-07-15. Review status: criteria provided, single submitter. Criteria: GeneDx Variant Classification Process June 2021. Collection method: clinical testing. Allele origin: germline. Affected: yes.
Comment: Not observed at significant frequency in large population cohorts (gnomAD); In silico analysis indicates that this missense variant does not alter protein structure/function; Has not been previously published as pathogenic or benign to our knowledge

NM_004304.5(ALK):c.350C>T (p.Pro117Leu)

Gene: ALK (ALK receptor tyrosine kinase; minus strand). Cytogenetic location: 2p23.1.
Variant type: single nucleotide variant.
Coding change: c.350C>T on transcript NM_004304.5 (MANE Select); coding-DNA position 350, C replaced by T.
Protein change: p.Pro117Leu; replaces proline 117 with leucine.
Molecular consequence: missense variant.
Genome position (GRCh38, 1-based): chr2:29,920,310, G>A on the plus strand (C>T on the coding strand, the complement: ALK is on the minus strand). VCF-style: chr2-29920310-G-A. GRCh37 (hg19) VCF-style: chr2-30143176-G-A.
Other names: short protein forms P117L.
Identifiers: ClinVar variation 572689 (VCV000572689.10), dbSNP rs201290745, ClinGen allele CA346590210.
Genomic context (GRCh38, chr2:29,920,310, plus strand): 5'-CGCCGGAGCTTGCGCACGGAGCCGCCCTTCAGCACCCTGGACAGCGTCCGGGCCTCTGCC[G>A]GGGCTGGTGAACCGGCGGTCCAGGAGACCCCCGGCGCCGGCCCCAGCAACCTGAGCAGCG-3'
Protein context (NP_004295.2, residues 107-127): GVSWTAGSPA[Pro117Leu]AEARTLSRVL